The following is an entry in ClinVar:

ClinVar aggregate classification (germline): Conflicting classifications of pathogenicity. Review status: criteria provided, conflicting classifications (1 of 4 stars). 2 submissions from 2 submitters: Uncertain significance (1); Likely benign (1). Last evaluated 2025-04-17.

Allele frequency attached by ClinVar (database versions not stated): ExAC 0.00003; gnomAD 0.00002; gnomAD exomes 0.00002 and 0.00004; TOPMed 0.00003.
gnomAD v4.1: 63 of 1,612,084 alleles (0.0039%); highest among the groups gnomAD compares: Non-Finnish European, 0.0048%; no homozygotes.

Submissions (2):

Labcorp Genetics (formerly Invitae), Labcorp
Classification: Uncertain significance. Last evaluated: 2025-04-17. Review status: criteria provided, single submitter. Criteria: Invitae Variant Classification Sherloc (09022015). Collection method: clinical testing. Allele origin: germline.
Comment: This sequence change replaces arginine, which is basic and polar, with glutamine, which is neutral and polar, at codon 1343 of the CEP250 protein (p.Arg1343Gln). This variant is present in population databases (rs368716170, gnomAD 0.01%). This variant has not been reported in the literature in individuals affected with CEP250-related conditions. ClinVar contains an entry for this variant (Variation ID: 963354). An algorithm developed to predict the effect of missense changes on protein structure and function outputs the following: PolyPhen-2: "Benign". The glutamine amino acid residue is found in multiple mammalian species, which suggests that this missense change does not adversely affect protein function. In summary, the available evidence is currently insufficient to determine the role of this variant in disease. Therefore, it has been classified as a Variant of Uncertain Significance.

Blueprint Genetics
Classification: Likely benign. Last evaluated: 2024-07-15. Review status: criteria provided, single submitter. Criteria: ACMG Guidelines, 2015. Collection method: clinical testing. Allele origin: germline.

NM_007186.6(CEP250):c.4028G>A (p.Arg1343Gln)

Gene: CEP250 (centrosomal protein 250; plus strand). Cytogenetic location: 20q11.22.
Variant type: single nucleotide variant.
Coding change: c.4028G>A on transcript NM_007186.6 (MANE Select); coding-DNA position 4028, G replaced by A.
Protein change: p.Arg1343Gln; replaces arginine 1343 with glutamine.
Molecular consequence: missense variant.
Genome position (GRCh38, 1-based): chr20:35,502,397, G>A. VCF-style: chr20-35502397-G-A. GRCh37 (hg19) VCF-style: chr20-34090225-G-A.
Other names: c.2132G>A, p.Arg711Gln (NM_001318219.1); short protein forms R711Q, R1343Q.
Identifiers: ClinVar variation 963354 (VCV000963354.8), dbSNP rs368716170, ClinGen allele CA9833650.